The following is an entry in ClinVar:

ClinVar aggregate classification (germline): Uncertain significance (1 of 4 stars; one submission).

Conditions:
DiGeorge syndrome. Also called: THIRD AND FOURTH PHARYNGEAL POUCH SYNDROME; Catch22. Identifiers: Orphanet 567, MedGen C0012236, MONDO:0008564, OMIM 188400.

Submission:

Labcorp Genetics (formerly Invitae), Labcorp
Classification: Uncertain significance for DiGeorge syndrome. Last evaluated: 2024-08-08. Review status: criteria provided, single submitter. Criteria: Invitae Variant Classification Sherloc (09022015). Collection method: clinical testing. Allele origin: germline.
Comment: This variant, c.1364_1372del, results in the deletion of 3 amino acid(s) of the TBX1 protein (p.His455_His457del), but otherwise preserves the integrity of the reading frame. This variant is not present in population databases (gnomAD no frequency). This variant has not been reported in the literature in individuals affected with TBX1-related conditions. Experimental studies and prediction algorithms are not available or were not evaluated, and the functional significance of this variant is currently unknown. In summary, the available evidence is currently insufficient to determine the role of this variant in disease. Therefore, it has been classified as a Variant of Uncertain Significance.

NM_001379200.1(TBX1):c.1385ACC[2] (p.His464_His466del)

Gene: TBX1 (T-box transcription factor 1; plus strand). Cytogenetic location: 22q11.21.
Variant type: Microsatellite.
Coding change: c.1385ACC[2] on transcript NM_001379200.1 (MANE Select); two copies in a row of the 3-base unit ACC starting at c.1385; the reference has five copies in a row; three copies, 9 bases deleted.
Protein change: p.His464_His466del.
Molecular consequence: intron variant (on NM_005992.1).
Genome position (GRCh38, 1-based): chr22:19,766,743-19,766,751, ACCACCACC deleted; deleting any 9 consecutive bases within chr22:19,766,736-19,766,751 gives the same sequence; the position shown is the placement nearest the transcript's 3' end. VCF-style (leftmost placement, unchanged base first): chr22-19766735-GCACCACCAC-G. GRCh37 (hg19) VCF-style: chr22-19754258-GCACCACCAC-G.
Other names: c.1358ACC[2], p.His455_His457del (NM_080647.1); c.1009+734CAC[2] (NM_005992.1, NM_080646.2).
Identifiers: ClinVar variation 3656127 (VCV003656127.2).
Genomic context (GRCh38, chr22:19,766,735, plus strand): 5'-GCCGGCGCCCTACCCGCTGCCCGGCCTGCGTGGCCACGGCTACCACCCGCACGCGCATCC[GCACCACCAC>G]CACCACCCCGTGAGTCCAGCCGCCGCGGCCGCCGCCGCCGCTGCCGCAGCTGCCGCGGCC-3'